The following is an entry in ClinVar:

ClinVar aggregate classification (germline): Uncertain significance (1 of 4 stars; one submission).

Conditions:
Microphthalmia with brain and digit anomalies (MCOPS6). Also called: Microphthalmia, syndromic 6; MICROPHTHALMIA AND PITUITARY ANOMALIES. Identifiers: Orphanet 139471, MedGen C1864689, MONDO:0011936, OMIM 607932.
Orofacial cleft 11 (OFC11). Also called: Orofacial cleft 11; ofc11; CLEFT LIP WITH OR WITHOUT CLEFT PALATE, NONSYNDROMIC, 11. Identifiers: MedGen C2677434, MONDO:0010906, OMIM 600625.

Allele frequency attached by ClinVar (database versions not stated): gnomAD exomes below 0.00001.

Submission:

Labcorp Genetics (formerly Invitae), Labcorp
Classification: Uncertain significance for Microphthalmia with brain and digit anomalies; Orofacial cleft 11. Last evaluated: 2021-12-02. Review status: criteria provided, single submitter. Criteria: Invitae Variant Classification Sherloc (09022015). Collection method: clinical testing. Allele origin: germline.
Comment: This sequence change replaces serine, which is neutral and polar, with glycine, which is neutral and non-polar, at codon 146 of the BMP4 protein (p.Ser146Gly). In summary, the available evidence is currently insufficient to determine the role of this variant in disease. Therefore, it has been classified as a Variant of Uncertain Significance. Algorithms developed to predict the effect of missense changes on protein structure and function (SIFT, PolyPhen-2, Align-GVGD) all suggest that this variant is likely to be disruptive. This variant has not been reported in the literature in individuals affected with BMP4-related conditions. This variant is not present in population databases (gnomAD no frequency).

NM_001202.6(BMP4):c.436A>G (p.Ser146Gly)

Gene: BMP4 (bone morphogenetic protein 4; minus strand). Cytogenetic location: 14q22.2.
Variant type: single nucleotide variant.
Coding change: c.436A>G on transcript NM_001202.6 (MANE Select); coding-DNA position 436, A replaced by G.
Protein change: p.Ser146Gly; replaces serine 146 with glycine.
Molecular consequence: missense variant.
Genome position (GRCh38, 1-based): chr14:53,950,823, T>C on the plus strand (A>G on the coding strand, the complement: BMP4 is on the minus strand). VCF-style: chr14-53950823-T-C. GRCh37 (hg19) VCF-style: chr14-54417541-T-C.
Other names: c.577A>G, p.Ser193Gly (NM_001347912.1); c.247A>G, p.Ser83Gly (NM_001347913.2, NM_001347915.2, NM_001347917.1); c.436A>G, p.Ser146Gly (NM_001347914.2, NM_001347916.1, NM_130850.5 and 1 more transcripts); short protein forms S146G, S83G, S193G.
Identifiers: ClinVar variation 1474402 (VCV001474402.8), dbSNP rs1819759617, ClinGen allele CA389784712.